The following is an entry in ClinVar:

NM_138927.4(SON):c.5840G>A (p.Arg1947Lys)

Gene: SON (SON DNA and RNA binding protein; plus strand). Cytogenetic location: 21q22.11.
Variant type: single nucleotide variant.
Coding change: c.5840G>A on transcript NM_138927.4 (MANE Select); coding-DNA position 5840, G replaced by A.
Protein change: p.Arg1947Lys; replaces arginine 1947 with lysine.
Molecular consequence: missense variant. On other transcripts: non-coding transcript variant (1), intron variant (1).
Genome position (GRCh38, 1-based): chr21:33,555,071, G>A. VCF-style: chr21-33555071-G-A. GRCh37 (hg19) VCF-style: chr21-34927377-G-A.
Other names: c.5840G>A, p.Arg1947Lys (NM_001291411.2, NM_032195.3); c.245-2085G>A (NM_001291412.3); short protein forms R1947K.
Identifiers: ClinVar variation 1030016 (VCV001030016.4), dbSNP rs2085932078, ClinGen allele CA410165643.

ClinVar aggregate classification (germline): Uncertain significance. Review status: criteria provided, multiple submitters, no conflicts (2 of 4 stars). 2 submissions from 2 submitters: Uncertain significance (2). Last evaluated 2021-02-03.

Conditions:
ZTTK syndrome (ZTTKS). Also called: ZTTK MULTIPLE CONGENITAL ANOMALIES-MENTAL RETARDATION SYNDROME; Zhu-Tokita-Takenouchi-Kim Syndrome. Identifiers: Orphanet 500150, MedGen C4310696, MONDO:0014936, OMIM 617140.

Submissions (2):

Revvity Omics, Revvity
Classification: Uncertain significance for ZTTK syndrome. Last evaluated: 2021-02-03. Review status: criteria provided, single submitter. Criteria: ACMG Guidelines, 2015. Collection method: clinical testing. Allele origin: germline.

Baylor Genetics
Classification: Uncertain significance for ZTTK syndrome. Last evaluated: 2020-01-20. Review status: criteria provided, single submitter. Criteria: ACMG Guidelines, 2015. Collection method: clinical testing. Allele origin: unknown. Affected: yes.
Comment: This variant was determined to be of uncertain significance according to ACMG Guidelines, 2015 [PMID:25741868].